The following is an entry in ClinVar:

NM_000257.4(MYH7):c.5500G>A (p.Ala1834Thr)

Gene: MYH7 (myosin heavy chain 7; minus strand). Cytogenetic location: 14q11.2.
Variant type: single nucleotide variant.
Coding change: c.5500G>A on transcript NM_000257.4 (MANE Select); coding-DNA position 5500, G replaced by A.
Protein change: p.Ala1834Thr; replaces alanine 1834 with threonine.
Molecular consequence: missense variant.
Genome position (GRCh38, 1-based): chr14:23,415,054, C>T on the plus strand (G>A on the coding strand, the complement: MYH7 is on the minus strand). VCF-style: chr14-23415054-C-T. GRCh37 (hg19) VCF-style: chr14-23884263-C-T.
Other names: short protein forms A1834T.
Identifiers: ClinVar variation 43073 (VCV000043073.33), dbSNP rs143362532, ClinGen allele CA016152.

ClinVar aggregate classification (germline): Conflicting classifications of pathogenicity. Review status: criteria provided, conflicting classifications (1 of 4 stars). 15 submissions from 13 submitters: Uncertain significance (13); Benign (1); Likely benign (1). Last evaluated 2026-03-16.

Conditions:
Myosin storage myopathy (CMYO7A). Also called: MYOPATHY, HYALINE BODY, AUTOSOMAL DOMINANT; SCAPULOPERONEAL MUSCULAR DYSTROPHY; SCAPULOPERONEAL SYNDROME, MYOPATHIC TYPE; Scapuloperoneal myopathy, MYH7-related; MYOPATHY WITH LYSIS OF TYPE I MYOFIBRILS; MYH7-related late-onset scapuloperoneal muscular dystrophy. Identifiers: Orphanet 437572, Orphanet 636965, MedGen C1842160, MONDO:0008409, OMIM 608358.
Cardiovascular phenotype. Identifiers: MedGen CN230736.
Hypertrophic cardiomyopathy 1 (CMH1). Also called: Familial hypertrophic cardiomyopathy 1; MYH7-Related Familial Hypertrophic Cardiomyopathy. Identifiers: MedGen C3495498, MONDO:0008647, OMIM 192600.
Cardiomyopathy (CMYO). Also called: Cardiomyopathies. Identifiers: Orphanet 167848, MedGen C0878544, MONDO:0004994, HP:0001638. Inheritance: Various modes of inheritance.
MYH7-related skeletal myopathy. Also called: Myopathy, distal, 1; MYOPATHY, DISTAL, EARLY-ONSET, AUTOSOMAL DOMINANT; MYOPATHY, LATE DISTAL HEREDITARY; Laing early-onset distal myopathy; Laing distal myopathy. Identifiers: Orphanet 59135, MedGen C4552004, MONDO:0008050, OMIM 160500.
Hypertrophic cardiomyopathy. Also called: HYPERTROPHIC MYOCARDIOPATHY. Identifiers: Orphanet 217569, MedGen C0007194, MeSH D002312, MONDO:0005045, HP:0001639.

Allele frequency attached by ClinVar (database versions not stated): gnomAD 0.00001; TOPMed 0.00003; ESP Exome Variant Server 0.00008.
gnomAD v4.1: 38 of 1,612,684 alleles (0.0024%); highest among the groups gnomAD compares: Middle Eastern, 0.016%; no homozygotes.

Submissions 1 to 9 of 15:

Women's Health and Genetics/Laboratory Corporation of America, LabCorp
Classification: Uncertain significance. Last evaluated: 2026-03-16. Review status: criteria provided, single submitter. Criteria: LabCorp Variant Classification Summary - May 2015. Collection method: clinical testing. Allele origin: germline.
Comment: Variant summary: MYH7 c.5500G>A (p.Ala1834Thr) results in a non-conservative amino acid change in the encoded protein sequence. Algorithms developed to predict the effect of missense changes on protein structure and function are either unavailable or do not agree on the potential impact of this missense change. The variant allele was found at a frequency of 5.6e-05 in 250566 control chromosomes. This frequency is not significantly higher than estimated for disease-causing variants in MYH7, allowing no conclusion about variant significance. c.5500G>A has been observed in individual(s) affected with congenital heart disease or hypertropic cardiomyopathy without strong evidence for causality (e.g. Homburger_2016, McGurk_2023, Zhang_2022). These report(s) do not provide unequivocal conclusions about association of the variant with Cardiomyopathy. To our knowledge, no experimental evidence demonstrating an impact on protein function has been reported. The following publications have been ascertained in the context of this evaluation (PMID: 27247418, 37652022, 35993536). ClinVar contains an entry for this variant (Variation ID: 43073). Based on the evidence outlined above, the variant was classified as uncertain significance.

Molecular Diagnostic Laboratory for Inherited Cardiovascular Disease, Montreal Heart Institute
Classification: Uncertain significance for Cardiovascular phenotype. Last evaluated: 2025-04-08. Review status: criteria provided, single submitter. Criteria: ACMG Guidelines, 2015. Collection method: clinical testing. Allele origin: germline. Affected: yes.
Comment: PM2, BP4

Labcorp Genetics (formerly Invitae), Labcorp
Classification: Uncertain significance for Hypertrophic cardiomyopathy. Last evaluated: 2025-01-19. Review status: criteria provided, single submitter. Criteria: Invitae Variant Classification Sherloc (09022015). Collection method: clinical testing. Allele origin: germline.
Comment: This sequence change replaces alanine, which is neutral and non-polar, with threonine, which is neutral and polar, at codon 1834 of the MYH7 protein (p.Ala1834Thr). This variant is present in population databases (rs143362532, gnomAD 0.008%). This missense change has been observed in individual(s) with congenital heart disease and/or hypertrophic cardiomyopathy (PMID: 27247418, 35993536, 37652022). ClinVar contains an entry for this variant (Variation ID: 43073). Invitae Evidence Modeling of protein sequence and biophysical properties (such as structural, functional, and spatial information, amino acid conservation, physicochemical variation, residue mobility, and thermodynamic stability) indicates that this missense variant is not expected to disrupt MYH7 protein function with a negative predictive value of 95%. In summary, the available evidence is currently insufficient to determine the role of this variant in disease. Therefore, it has been classified as a Variant of Uncertain Significance.

Ambry Genetics
Classification: Likely benign for Cardiovascular phenotype. Last evaluated: 2024-11-05. Review status: criteria provided, single submitter. Criteria: Ambry Variant Classification Scheme 2023. Collection method: clinical testing. Allele origin: germline.

Revvity Omics, Revvity
Classification: Uncertain significance. Last evaluated: 2024-10-22. Review status: criteria provided, single submitter. Criteria: ACMG Guidelines, 2015. Collection method: clinical testing. Allele origin: germline.

All of Us Research Program, National Institutes of Health
Classification: Uncertain significance for Cardiomyopathy. Last evaluated: 2024-06-09. Review status: criteria provided, single submitter. Criteria: ACMG Guidelines, 2015. Collection method: clinical testing. Allele origin: germline. Inheritance: Autosomal dominant inheritance. Observed: 12 variant alleles, 12 heterozygotes.
Comment: This missense variant replaces alanine with threonine at codon 1834 of the MYH7 protein. Computational prediction tools indicate that this variant has a neutral impact on protein structure and function. To our knowledge, functional studies have not been reported for this variant. This variant has been reported in one individual affected with hypertrophic cardiomyopathy (PMID: 27247418) and in one individual affected with congenital heart disease (PMID: 35993536). This variant has been identified in 14/250566 chromosomes in the general population by the Genome Aggregation Database (gnomAD). The available evidence is insufficient to determine the role of this variant in disease conclusively. Therefore, this variant is classified as a Variant of Uncertain Significance.

This study involves interpretation of variants in research participants for the purpose of population health screening. Participant phenotype was not available at the time of variant classification. Additional details can be found in publication PMID: 35346344, PMCID: PMC8962531

Color Diagnostics, LLC DBA Color Health
Classification: Uncertain significance for Cardiomyopathy. Last evaluated: 2024-02-22. Review status: criteria provided, single submitter. Criteria: ACMG Guidelines, 2015. Collection method: clinical testing. Allele origin: germline.
Comment: This missense variant replaces alanine with threonine at codon 1834 of the MYH7 protein. Computational prediction tools indicate that this variant has a neutral impact on protein structure and function. To our knowledge, functional studies have not been reported for this variant. This variant has been reported in one individual affected with hypertrophic cardiomyopathy (PMID: 27247418) and in one individual affected with congenital heart disease (PMID: 35993536). This variant has been identified in 14/250566 chromosomes in the general population by the Genome Aggregation Database (gnomAD). The available evidence is insufficient to determine the role of this variant in disease conclusively. Therefore, this variant is classified as a Variant of Uncertain Significance.

CHEO Genetics Diagnostic Laboratory, Children's Hospital of Eastern Ontario
Classification: Uncertain significance for Cardiomyopathy. Last evaluated: 2023-03-24. Review status: criteria provided, single submitter. Criteria: ACMG Guidelines, 2015. Collection method: clinical testing. Allele origin: germline. Study: Canadian Open Genetics Repository.

Victorian Clinical Genetics Services, Murdoch Childrens Research Institute
Classification: Uncertain significance for Hypertrophic cardiomyopathy 1. Last evaluated: 2022-02-02. Review status: criteria provided, single submitter. Criteria: ACMG Guidelines, 2015. Collection method: clinical testing. Allele origin: germline. Inheritance: Autosomal dominant inheritance. Affected: yes.
Comment: Based on the classification scheme VCGS_Germline_v1.3.4, this variant is classified as VUS-3C. Following criteria are met: 0105 - The mechanism of disease for this gene is not clearly established, however, missense variants have been proposed to act in a dominant negative manner (PMID: 24714796). (I) 0108 - This gene is associated with both recessive and dominant disease. Pathogenic variants in this gene are usually heterozygous, however a recessive inheritance pattern has been observed in severe cases (OMIM). (I) 0112 - The condition associated with this gene has incomplete penetrance (PMID: 29300372). (I) 0200 - Variant is predicted to result in a missense amino acid change from alanine to threonine. (I) 0251 - This variant is heterozygous. (I) 0302 - Variant is present in gnomAD (v2) <0.001 for a dominant condition (14 heterozygotes, 0 homozygotes). (SP) 0309 - An alternative amino acid change at the same position has been observed in gnomAD (v2) (3 heterozygotes, 0 homozygotes). (I) 0503 - Missense variant consistently predicted to be tolerated by multiple in silico tools or not conserved in placental mammals with a minor amino acid change. (SB) 0600 - Variant is located in the annotated myosin tail domain (Decipher). (I) 0705 - No comparable missense variants have previous evidence for pathogenicity. (I) 0808 - Previous reports of pathogenicity for this variant are conflicting. This variant has been reported multiple times as VUS in ClinVar and also in one individual with HCM and one individual with cardiomyopathy (PMID: 23861362, 27247418). (I) 0905 - No published segregation evidence has been identified for this variant. (I) 1007 - No published functional evidence has been identified for this variant. (I) Legend: (SP) - Supporting pathogenic, (I) - Information, (SB) - Supporting benign